The following is an entry in ClinVar:

ClinVar aggregate classification (germline): Likely pathogenic (1 of 4 stars; one submission).

Conditions:
Familial renal glucosuria (GLYS). Also called: RENAL GLUCOSURIA, AUTOSOMAL DOMINANT; Familial renal glycosuria. Identifiers: Orphanet 69076, MedGen C3245525, MONDO:0009297, OMIM 233100.

gnomAD v4.1: 25 of 1,600,562 alleles (0.0016%); highest among the groups gnomAD compares: South Asian, 0.016%; no homozygotes.

Submission:

MVZ Medizinische Genetik Mainz
Classification: Likely pathogenic for Familial renal glucosuria. Last evaluated: 2024-01-09. Review status: criteria provided, single submitter. Criteria: UK Practice Guidelines For Variant Classification V4 01 2020. Collection method: clinical testing. Allele origin: germline. Inheritance: Autosomal recessive inheritance. Affected: yes. Observed: 1 variant allele.
Comment: ACMG Criteria: PM3_STR,PM1_SUP,PM2_SUP,PP3,PP4

NM_003041.4(SLC5A2):c.1405G>A (p.Ala469Thr)

Gene: SLC5A2 (solute carrier family 5 member 2; plus strand). Cytogenetic location: 16p11.2.
Variant type: single nucleotide variant.
Coding change: c.1405G>A on transcript NM_003041.4 (MANE Select); coding-DNA position 1405, G replaced by A.
Protein change: p.Ala469Thr; replaces alanine 469 with threonine.
Molecular consequence: missense variant.
Genome position (GRCh38, 1-based): chr16:31,489,004, G>A. VCF-style: chr16-31489004-G-A. GRCh37 (hg19) VCF-style: chr16-31500325-G-A.
Other names: short protein forms A469T.
Identifiers: ClinVar variation 4857297 (VCV004857297.1).